The following is an entry in ClinVar:

ClinVar aggregate classification (germline): Uncertain significance. Review status: criteria provided, multiple submitters, no conflicts (2 of 4 stars). 2 submissions from 2 submitters: Uncertain significance (2). Last evaluated 2023-01-23.

Conditions:
Inborn genetic diseases. Identifiers: MedGen C0950123, MeSH D030342.
Joubert syndrome 15 (JBTS15). Identifiers: Orphanet 475, MedGen C3280897, MONDO:0013763, OMIM 614464.

Allele frequency attached by ClinVar (database versions not stated): ESP Exome Variant Server 0.00008; TOPMed 0.00011.
gnomAD v4.1: 9 of 1,612,392 alleles (0.00056%); highest among the groups gnomAD compares: African/African-American, 0.0093%; no homozygotes.

Submissions (2):

Ambry Genetics
Classification: Uncertain significance for Inborn genetic diseases. Last evaluated: 2023-01-23. Review status: criteria provided, single submitter. Criteria: Ambry Variant Classification Scheme 2023. Collection method: clinical testing. Allele origin: germline.

Labcorp Genetics (formerly Invitae), Labcorp
Classification: Uncertain significance for Joubert syndrome 15. Last evaluated: 2022-08-15. Review status: criteria provided, single submitter. Criteria: Invitae Variant Classification Sherloc (09022015). Collection method: clinical testing. Allele origin: germline.
Comment: In summary, the available evidence is currently insufficient to determine the role of this variant in disease. Therefore, it has been classified as a Variant of Uncertain Significance. Algorithms developed to predict the effect of missense changes on protein structure and function (SIFT, PolyPhen-2, Align-GVGD) all suggest that this variant is likely to be tolerated. ClinVar contains an entry for this variant (Variation ID: 999482). This variant has not been reported in the literature in individuals affected with CEP41-related conditions. The frequency data for this variant in the population databases is considered unreliable, as metrics indicate poor data quality at this position in the gnomAD database. This sequence change replaces proline, which is neutral and non-polar, with threonine, which is neutral and polar, at codon 10 of the CEP41 protein (p.Pro10Thr).

NM_018718.3(CEP41):c.28C>A (p.Pro10Thr)

Gene: CEP41 (centrosomal protein 41; minus strand). Cytogenetic location: 7q32.2.
Variant type: single nucleotide variant.
Coding change: c.28C>A on transcript NM_018718.3 (MANE Select); coding-DNA position 28, C replaced by A.
Protein change: p.Pro10Thr; replaces proline 10 with threonine.
Molecular consequence: missense variant. On other transcripts: non-coding transcript variant (1).
Genome position (GRCh38, 1-based): chr7:130,440,939, G>T on the plus strand (C>A on the coding strand, the complement: CEP41 is on the minus strand). VCF-style: chr7-130440939-G-T. GRCh37 (hg19) VCF-style: chr7-130080780-G-T.
Other names: c.28C>A, p.Pro10Thr (NM_001257158.2, NM_001257159.2, NM_001257160.2); c.28C>A (NM_018718.1); short protein forms P10T.
Identifiers: ClinVar variation 999482 (VCV000999482.8), dbSNP rs149373377, ClinGen allele CA4485748.